The following is an entry in ClinVar:

NC_000007.13:g.(?_34006071)_(34014416_?)dup

Gene: BMPER (BMP binding endothelial regulator; plus strand). Cytogenetic location: 7p14.3.
Variant type: Duplication.
Identifiers: ClinVar variation 3245935 (VCV003245935.1).

ClinVar aggregate classification (germline): Likely pathogenic (1 of 4 stars; one submission).

Submission:

Labcorp Genetics (formerly Invitae), Labcorp
Classification: Likely pathogenic. Last evaluated: 2023-11-02. Review status: criteria provided, single submitter. Criteria: Invitae Variant Classification Sherloc (09022015). Collection method: clinical testing. Allele origin: unknown.
Comment: This variant results in a copy number gain of the genomic region encompassing exon(s) 5-7 of the BMPER gene. While the exact position of this variant cannot be determined from the data, sub-genic copy number gains are generally in tandem (PMID: 25640679). This variant is predicted to be out-of-frame, and may result in an absent or disrupted protein product. Loss-of-function variants in BMPER are known to be pathogenic (PMID: 20869035, 21990102). This variant has not been reported in the literature in individuals affected with BMPER-related conditions. In summary, the currently available evidence indicates that the variant is pathogenic, but additional data are needed to prove that conclusively. Therefore, this variant has been classified as Likely Pathogenic.

Literature cited by the submitters: PubMed 25640679; PubMed 20869035; PubMed 21990102.